The following is an entry in ClinVar:

NM_000135.4(FANCA):c.3601C>T (p.Gln1201Ter)

Gene: FANCA (FA complementation group A; minus strand). Cytogenetic location: 16q24.3.
Variant type: single nucleotide variant.
Coding change: c.3601C>T on transcript NM_000135.4 (MANE Select); coding-DNA position 3601, C replaced by T.
Protein change: p.Gln1201Ter; replaces glutamine 1201 with a stop codon.
Molecular consequence: nonsense.
Genome position (GRCh38, 1-based): chr16:89,744,984, G>A on the plus strand (C>T on the coding strand, the complement: FANCA is on the minus strand). VCF-style: chr16-89744984-G-A. GRCh37 (hg19) VCF-style: chr16-89811392-G-A.
Other names: c.3601C>T, p.Gln1201Ter (NM_001286167.3); short protein forms Q1201*.
Identifiers: ClinVar variation 1896664 (VCV001896664.5), dbSNP rs2544113674, ClinGen allele CA397485620.

ClinVar aggregate classification (germline): Pathogenic (1 of 4 stars; one submission).

Conditions:
Fanconi anemia (FA). Also called: Fanconi's anemia. Identifiers: Orphanet 84, MedGen C0015625, MeSH D005199, MONDO:0019391.

Submission:

Labcorp Genetics (formerly Invitae), Labcorp
Classification: Pathogenic for Fanconi anemia. Last evaluated: 2022-03-09. Review status: criteria provided, single submitter. Criteria: Invitae Variant Classification Sherloc (09022015). Collection method: clinical testing. Allele origin: germline.
Comment: This premature translational stop signal has been observed in individual(s) with clinical features of Fanconi anemia (PMID: 29098742). For these reasons, this variant has been classified as Pathogenic. This variant is not present in population databases (gnomAD no frequency). This sequence change creates a premature translational stop signal (p.Gln1201*) in the FANCA gene. It is expected to result in an absent or disrupted protein product. Loss-of-function variants in FANCA are known to be pathogenic (PMID: 19367192).

Literature cited by the submitters: PubMed 29098742; PubMed 19367192.